The following is an entry in ClinVar:

NM_018941.4(CLN8):c.122del (p.Val41fs)

Gene: CLN8 (CLN8 transmembrane ER and ERGIC protein; plus strand). Cytogenetic location: 8p23.3.
Variant type: Deletion.
Coding change: c.122del on transcript NM_018941.4 (MANE Select); coding-DNA position 122, one base deleted (T; older notation c.122delT).
Protein change: p.Val41fs; shifts the reading frame from valine 41.
Molecular consequence: frameshift variant.
Genome position (GRCh38, 1-based): chr8:1,771,176, T deleted. VCF-style (leftmost placement, unchanged base first): chr8-1771175-GT-G. GRCh37 (hg19) VCF-style: chr8-1719341-GT-G.
Other names: short protein forms V41fs.
Identifiers: ClinVar variation 4081613 (VCV004081613.1).

ClinVar aggregate classification (germline): Pathogenic (1 of 4 stars; one submission).

Conditions:
Neuronal ceroid lipofuscinosis. Also called: Neuronal Ceroid Lipofuscinoses. Identifiers: Orphanet 216, Orphanet 79263, MedGen C0027877, MONDO:0016295. Disease mechanism: loss of function.

Submission:

Myriad Genetics, Inc.
Classification: Pathogenic for Neuronal ceroid lipofuscinosis. Last evaluated: 2025-04-15. Review status: criteria provided, single submitter. Criteria: Myriad Autosomal Dominant, Autosomal Recessive and X-Linked Classification Criteria (2023). Collection method: clinical testing. Allele origin: unknown.
Comment: NM_018941.3(CLN8):c.122delT(V41Afs*9) is a frameshift variant classified as pathogenic in the context of CLN8-related neuronal ceroid lipofuscinosis. V41Afs*9 has not been observed in cases with relevant disease. Relevant functional assessments of this variant are not available in the literature. V41Afs*9 has not been observed in referenced population frequency databases. In summary, NM_018941.3(CLN8):c.122delT(V41Afs*9) is a frameshift variant in a gene where loss of function is a known mechanism of disease and is predicted to disrupt protein function. Please note: this variant was assessed in the context of healthy population screening.